The following is an entry in ClinVar:

ClinVar aggregate classification (germline): Likely benign (0 of 4 stars; one submission).

Conditions:
XIRP2-related disorder. Also called: XIRP2-related condition.

Allele frequency attached by ClinVar (database versions not stated): gnomAD 0.00003; TOPMed 0.00003; ExAC 0.00004; gnomAD exomes 0.00005; ESP Exome Variant Server 0.00008.
gnomAD v4.1: 72 of 1,613,728 alleles (0.0045%); highest among the groups gnomAD compares: Non-Finnish European, 0.0057%; no homozygotes.

Submission:

PreventionGenetics, part of Exact Sciences
Classification: Likely benign for XIRP2-related condition. Last evaluated: 2023-10-27. Review status: no assertion criteria provided. Collection method: clinical testing. Allele origin: germline.
Comment: This variant is classified as likely benign based on ACMG/AMP sequence variant interpretation guidelines (Richards et al. 2015 PMID: 25741868, with internal and published modifications).

NM_152381.6(XIRP2):c.1026A>G (p.Gln342=)

Gene: XIRP2 (xin actin binding repeat containing 2; plus strand). Cytogenetic location: 2q24.3.
Variant type: single nucleotide variant.
Coding change: c.1026A>G on transcript NM_152381.6 (MANE Select); coding-DNA position 1026, A replaced by G.
Protein change: p.Gln342=; no amino-acid change (glutamine 342 retained).
Molecular consequence: synonymous variant.
Genome position (GRCh38, 1-based): chr2:167,240,720, A>G. VCF-style: chr2-167240720-A-G. GRCh37 (hg19) VCF-style: chr2-168097230-A-G.
Other names: c.1026A>G, p.Gln342= (NM_001079810.4); c.1125A>G, p.Gln375= (NM_001199143.2); c.360A>G, p.Gln120= (NM_001199144.2, NM_001199145.2).
Identifiers: ClinVar variation 3055233 (VCV003055233.2), dbSNP rs369972874, ClinGen allele CA1946356.